The following is an entry in ClinVar:

NM_203447.4(DOCK8):c.6269A>T (p.Lys2090Ile)

Gene: DOCK8 (dedicator of cytokinesis 8; plus strand). Cytogenetic location: 9p24.3.
Variant type: single nucleotide variant.
Coding change: c.6269A>T on transcript NM_203447.4 (MANE Select); coding-DNA position 6269, A replaced by T.
Protein change: p.Lys2090Ile; replaces lysine 2090 with isoleucine.
Molecular consequence: missense variant.
Genome position (GRCh38, 1-based): chr9:464,188, A>T. VCF-style: chr9-464188-A-T. GRCh37 (hg19) VCF-style: chr9-464188-A-T.
Other names: c.6065A>T, p.Lys2022Ile (NM_001193536.2); c.5969A>T, p.Lys1990Ile (NM_001190458.2); short protein forms K2022I, K1990I, K2090I.
Identifiers: ClinVar variation 2711259 (VCV002711259.3), dbSNP rs2537640786, ClinGen allele CA372751971.

ClinVar aggregate classification (germline): Uncertain significance (1 of 4 stars; one submission).

Conditions:
Combined immunodeficiency due to DOCK8 deficiency (HIES2). Also called: HIES autosomal recessive; Hyper-IgE recurrent infection syndrome, autosomal recessive; HYPER-IgE SYNDROME 2, AUTOSOMAL RECESSIVE, WITH RECURRENT INFECTIONS; DOCK8 Deficiency; HYPER-IgE RECURRENT INFECTION SYNDROME 2, AUTOSOMAL RECESSIVE. Identifiers: Orphanet 217390, MedGen C4722305, MONDO:0009478, OMIM 243700.

Allele frequency attached by ClinVar (database versions not stated): gnomAD exomes 0.00001.
gnomAD v4.1: 8 of 1,614,006 alleles (0.0005%); highest among the groups gnomAD compares: Non-Finnish European, 0.00068%; no homozygotes.

Submission:

Labcorp Genetics (formerly Invitae), Labcorp
Classification: Uncertain significance for Combined immunodeficiency due to DOCK8 deficiency. Last evaluated: 2024-01-25. Review status: criteria provided, single submitter. Criteria: Invitae Variant Classification Sherloc (09022015). Collection method: clinical testing. Allele origin: germline.
Comment: This sequence change replaces lysine, which is basic and polar, with isoleucine, which is neutral and non-polar, at codon 2090 of the DOCK8 protein (p.Lys2090Ile). This variant is not present in population databases (gnomAD no frequency). This variant has not been reported in the literature in individuals affected with DOCK8-related conditions. Advanced modeling of protein sequence and biophysical properties (such as structural, functional, and spatial information, amino acid conservation, physicochemical variation, residue mobility, and thermodynamic stability) performed at Invitae indicates that this missense variant is not expected to disrupt DOCK8 protein function with a negative predictive value of 80%. In summary, the available evidence is currently insufficient to determine the role of this variant in disease. Therefore, it has been classified as a Variant of Uncertain Significance.